The following is an entry in ClinVar:

ClinVar aggregate classification (germline): Uncertain significance (1 of 4 stars; one submission).

Conditions:
CPT2-related disorder. Also called: CPT2-related condition.

Submission:

PreventionGenetics, part of Exact Sciences
Classification: Uncertain significance for CPT2-related condition. Last evaluated: 2026-05-14. Review status: criteria provided, single submitter. Criteria: ACMG Guidelines, 2015. Collection method: clinical testing. Allele origin: germline.
Comment: The CPT2 c.1849C>G variant is predicted to result in the amino acid substitution p.His617Asp. To our knowledge, this variant has not been reported in the literature or in a large population database (gnomAD), indicating this variant is rare. At this time, the clinical significance of this variant is uncertain due to the absence of conclusive functional and genetic evidence.

NM_000098.3(CPT2):c.1849C>G (p.His617Asp)

Gene: CPT2 (carnitine palmitoyltransferase 2; plus strand). Cytogenetic location: 1p32.3.
Variant type: single nucleotide variant.
Coding change: c.1849C>G on transcript NM_000098.3 (MANE Select); coding-DNA position 1849, C replaced by G.
Protein change: p.His617Asp; replaces histidine 617 with aspartic acid.
Molecular consequence: missense variant.
Genome position (GRCh38, 1-based): chr1:53,213,467, C>G. VCF-style: chr1-53213467-C-G. GRCh37 (hg19) VCF-style: chr1-53679139-C-G.
Other names: c.1780C>G, p.His594Asp (NM_001330589.2); short protein forms H617D, H594D.
Identifiers: ClinVar variation 4991137 (VCV004991137.1).